The following is an entry in ClinVar:

ClinVar aggregate classification (germline): Conflicting classifications of pathogenicity. Review status: criteria provided, conflicting classifications (1 of 4 stars). 2 submissions from 2 submitters: Uncertain significance (1); Likely benign (1). Last evaluated 2023-03-01.

Conditions:
Severe X-linked mitochondrial encephalomyopathy. Also called: ENCEPHALOMYOPATHY, MITOCHONDRIAL, X-LINKED. Identifiers: Orphanet 238329, MedGen C3151753, MONDO:0010437, OMIM 300816.

Allele frequency attached by ClinVar (database versions not stated): 1000 Genomes Project 30x 0.00021; 1000 Genomes Project 0.00026; TOPMed 0.00062; gnomAD 0.00074 and 0.00080; gnomAD exomes 0.00081.
gnomAD v4.1: 384 of 489,662 alleles (0.078%); highest among the groups gnomAD compares: Non-Finnish European, 0.13%; no homozygotes.

Submissions (2):

CeGaT Center for Human Genetics Tuebingen
Classification: Likely benign. Last evaluated: 2023-03-01. Review status: criteria provided, single submitter. Criteria: CeGaT Center For Human Genetics Tuebingen Variant Classification Criteria Version 2. Collection method: clinical testing. Allele origin: germline. Affected: yes. Observed: 2 variant alleles.
Comment: AIFM1: BS2

Illumina Laboratory Services, Illumina
Classification: Uncertain significance for Severe X-linked mitochondrial encephalomyopathy. Last evaluated: 2018-01-13. Review status: criteria provided, single submitter. Criteria: ICSL Variant Classification Criteria 13 December 2019. Collection method: clinical testing. Allele origin: germline.

NM_004208.4(AIFM1):c.-185G>A

Genes: AIFM1 (apoptosis inducing factor mitochondria associated 1; minus strand), RAB33A (RAB33A, member RAS oncogene family; plus strand). Cytogenetic location: Xq26.1.
Variant type: single nucleotide variant.
Coding change: c.-185G>A on transcript NM_004208.4 (MANE Select); 185 bases upstream of the start codon, G replaced by A.
Molecular consequence: 5 prime UTR variant. On other transcripts: non-coding transcript variant (1).
Genome position (GRCh38, 1-based): chrX:130,165,841, C>T on the plus strand (G>A on the coding strand, the complement: AIFM1 is on the minus strand). VCF-style: chrX-130165841-C-T. GRCh37 (hg19) VCF-style: chrX-129299815-C-T.
Other names: c.-185G>A (NM_001130847.4, NM_145812.3).
Identifiers: ClinVar variation 367897 (VCV000367897.29), dbSNP rs770317876, ClinGen allele CA10645923.